The following is an entry in ClinVar:

ClinVar aggregate classification (germline): Pathogenic (1 of 4 stars; one submission).

Submission:

Labcorp Genetics (formerly Invitae), Labcorp
Classification: Pathogenic. Last evaluated: 2025-10-29. Review status: criteria provided, single submitter. Criteria: Invitae Variant Classification Sherloc (09022015). Collection method: clinical testing. Allele origin: germline.
Comment: This sequence change creates a premature translational stop signal (p.Arg50Profs*88) in the AEBP1 gene. It is expected to result in an absent or disrupted protein product. Loss-of-function variants in AEBP1 are known to be pathogenic (PMID: 29606302). This variant is not present in population databases (gnomAD no frequency). This variant has not been reported in the literature in individuals affected with AEBP1-related conditions. For these reasons, this variant has been classified as Pathogenic.

Literature cited by the submitters: PubMed 29606302.

NM_001129.5(AEBP1):c.148dup (p.Arg50fs)

Gene: AEBP1 (AE binding protein 1; plus strand). Cytogenetic location: 7p13.
Variant type: Duplication.
Coding change: c.148dup on transcript NM_001129.5 (MANE Select); coding-DNA position 148, one base duplicated (C; older notation c.148dupC).
Protein change: p.Arg50fs; shifts the reading frame from arginine 50.
Molecular consequence: frameshift variant.
Genome position (GRCh38, 1-based): chr7:44,104,813, C duplicated; the last of 4 consecutive C bases (chr7:44,104,810-44,104,813); duplicating any one gives the same sequence. VCF-style (leftmost placement, unchanged base first): chr7-44104809-G-GC. GRCh37 (hg19) VCF-style: chr7-44144408-G-GC.
Other names: short protein forms R50fs.
Identifiers: ClinVar variation 4730217 (VCV004730217.1).